The following is an entry in ClinVar:

NM_006790.3(MYOT):c.1286C>G (p.Ala429Gly)

Genes: MYOT (myotilin; plus strand), PKD2L2-DT (PKD2L2 divergent transcript; minus strand). Cytogenetic location: 5q31.2.
Variant type: single nucleotide variant.
Coding change: c.1286C>G on transcript NM_006790.3 (MANE Select); coding-DNA position 1286, C replaced by G.
Protein change: p.Ala429Gly; replaces alanine 429 with glycine.
Molecular consequence: missense variant.
Genome position (GRCh38, 1-based): chr5:137,886,959, C>G. VCF-style: chr5-137886959-C-G. GRCh37 (hg19) VCF-style: chr5-137222648-C-G.
Other names: c.734C>G, p.Ala245Gly (NM_001135940.2); c.941C>G, p.Ala314Gly (NM_001300911.2); short protein forms A429G, A314G, A245G.
Identifiers: ClinVar variation 288959 (VCV000288959.28), dbSNP rs144731446, ClinGen allele CA3423144.

ClinVar aggregate classification (germline): Conflicting classifications of pathogenicity. Review status: criteria provided, conflicting classifications (1 of 4 stars). 9 submissions from 9 submitters: Uncertain significance (5); Likely benign (4). Last evaluated 2025-11-28.

Conditions:
MYOT-related disorder. Also called: MYOT-related condition.
Myofibrillar myopathy 3 (MFM3). Also called: Muscular dystrophy, proximal, type 1A; Autosomal dominant spheroid body myopathy. Identifiers: Orphanet 266, Orphanet 268129, MedGen C3714934, MONDO:0012215, OMIM 609200.

Allele frequency attached by ClinVar (database versions not stated): ExAC 0.00011; gnomAD 0.00012 and 0.00013; TOPMed 0.00016; gnomAD exomes 0.00017; ESP Exome Variant Server 0.00031; 1000 Genomes Project 0.00040; 1000 Genomes Project 30x 0.00062.
gnomAD v4.1: 622 of 1,613,302 alleles (0.039%); highest among the groups gnomAD compares: Non-Finnish European, 0.05%; no homozygotes.

Submissions (11):

Labcorp Genetics (formerly Invitae), Labcorp
Classification: Uncertain significance for Myofibrillar myopathy 3. Last evaluated: 2025-11-28. Review status: criteria provided, single submitter. Criteria: Invitae Variant Classification Sherloc (09022015). Collection method: clinical testing. Allele origin: germline.
Comment: This sequence change replaces alanine, which is neutral and non-polar, with glycine, which is neutral and non-polar, at codon 429 of the MYOT protein (p.Ala429Gly). This variant is present in population databases (rs144731446, gnomAD 0.03%), and has an allele count higher than expected for a pathogenic variant. This variant has not been reported in the literature in individuals affected with MYOT-related conditions. ClinVar contains an entry for this variant (Variation ID: 288959). Invitae Evidence Modeling of protein sequence and biophysical properties (such as structural, functional, and spatial information, amino acid conservation, physicochemical variation, residue mobility, and thermodynamic stability) indicates that this missense variant is not expected to disrupt MYOT protein function with a negative predictive value of 80%. In summary, the available evidence is currently insufficient to determine the role of this variant in disease. Therefore, it has been classified as a Variant of Uncertain Significance.

Blueprint Genetics
Classification: Likely benign. Last evaluated: 2023-11-10. Review status: criteria provided, single submitter. Criteria: ACMG Guidelines, 2015. Collection method: clinical testing. Allele origin: germline.

Revvity Omics, Revvity
Classification: Likely benign for Myofibrillar myopathy 3. Last evaluated: 2023-09-25. Review status: criteria provided, single submitter. Criteria: ACMG Guidelines, 2015. Collection method: clinical testing. Allele origin: germline.

Women's Health and Genetics/Laboratory Corporation of America, LabCorp
Classification: Likely benign. Last evaluated: 2023-07-29. Review status: criteria provided, single submitter. Criteria: LabCorp Variant Classification Summary - May 2015. Collection method: clinical testing. Allele origin: germline.

PreventionGenetics, part of Exact Sciences
Classification: Uncertain significance for MYOT-related condition. Last evaluated: 2023-03-22. Review status: criteria provided, single submitter. Criteria: ACMG Guidelines, 2015. Collection method: clinical testing. Allele origin: germline.
Comment: The MYOT c.1286C>G variant is predicted to result in the amino acid substitution p.Ala429Gly. To our knowledge, this variant has not been reported in the literature. This variant is reported in 0.033% of alleles in individuals of European (Non-Finnish) descent in gnomAD. Although we suspect that this variant may be benign, at this time, the clinical significance of this variant is uncertain due to the absence of conclusive functional and genetic evidence.

GeneDx
Classification: Likely benign. Last evaluated: 2019-10-21. Review status: criteria provided, single submitter. Criteria: GeneDx Variant Classification Process June 2021. Collection method: clinical testing. Allele origin: germline. Affected: yes.

Fulgent Genetics
Classification: Uncertain significance for Myofibrillar myopathy 3. Last evaluated: 2018-10-31. Review status: criteria provided, single submitter. Criteria: ACMG Guidelines, 2015. Collection method: clinical testing. Allele origin: unknown.

Illumina Laboratory Services, Illumina
Classification: Uncertain significance for Myofibrillar myopathy 3. Last evaluated: 2018-01-13. Review status: criteria provided, single submitter. Criteria: ICSL Variant Classification Criteria 13 December 2019. Collection method: clinical testing. Allele origin: germline.

Eurofins Ntd Llc (ga)
Classification: Uncertain significance. Last evaluated: 2016-07-12. Review status: criteria provided, single submitter. Criteria: EGL Classification Definitions 2015. Collection method: clinical testing. Allele origin: germline. Observed: 1 variant allele, 1 heterozygote.

Dr. Peter K. Rogan Lab, Western University
No classification provided (evidence only). Condition: Familial cancer of breast. Review status: no classification provided. Collection method: in vitro. Allele origin: not applicable. Functional consequence: retained intron. Not counted in ClinVar's aggregate classification.

Dr. Peter K. Rogan Lab, Western University
No classification provided (evidence only). Condition: Acute myeloid leukemia. Review status: no classification provided. Collection method: in vitro. Allele origin: not applicable. Functional consequence: retained intron. Not counted in ClinVar's aggregate classification.